The following is an entry in ClinVar:

NM_012108.4(STAP1):c.184A>T (p.Ser62Cys)

Gene: STAP1 (signal transducing adaptor family member 1; plus strand). Cytogenetic location: 4q13.2.
Variant type: single nucleotide variant.
Coding change: c.184A>T on transcript NM_012108.4 (MANE Select); coding-DNA position 184, A replaced by T.
Protein change: p.Ser62Cys; replaces serine 62 with cysteine.
Molecular consequence: missense variant.
Genome position (GRCh38, 1-based): chr4:67,571,147, A>T. VCF-style: chr4-67571147-A-T. GRCh37 (hg19) VCF-style: chr4-68436865-A-T.
Other names: c.184A>T, p.Ser62Cys (NM_001317769.2); short protein forms S62C.
Identifiers: ClinVar variation 2448575 (VCV002448575.2), dbSNP rs770138895, ClinGen allele CA2937464.

ClinVar aggregate classification (germline): Uncertain significance (1 of 4 stars; one submission).

Allele frequency attached by ClinVar (database versions not stated): gnomAD exomes 0.00001; ExAC 0.00002.
gnomAD v4.1: 13 of 1,599,180 alleles (0.00081%); highest among the groups gnomAD compares: South Asian, 0.013%; no homozygotes.

Submission:

Ambry Genetics
Classification: Uncertain significance. Last evaluated: 2023-02-08. Review status: criteria provided, single submitter. Criteria: Ambry Variant Classification Scheme 2023. Collection method: clinical testing. Allele origin: germline.
Comment: The p.S62C variant (also known as c.184A>T), located in coding exon 2 of the STAP1 gene, results from an A to T substitution at nucleotide position 184. The serine at codon 62 is replaced by cysteine, an amino acid with dissimilar properties. This amino acid position is conserved. In addition, this alteration is predicted to be tolerated by in silico analysis. Since supporting evidence is limited at this time, the clinical significance of this alteration remains unclear.